The following is an entry in ClinVar:

NM_023036.6(DNAI2):c.895del (p.Glu299fs)

Gene: DNAI2 (dynein axonemal intermediate chain 2; plus strand). Cytogenetic location: 17q25.1.
Variant type: Deletion.
Coding change: c.895del on transcript NM_023036.6 (MANE Select); coding-DNA position 895, one base deleted (G; older notation c.895delG).
Protein change: p.Glu299fs; shifts the reading frame from glutamic acid 299.
Molecular consequence: frameshift variant. On other transcripts: non-coding transcript variant (1).
Genome position (GRCh38, 1-based): chr17:74,301,076, G deleted. VCF-style (leftmost placement, unchanged base first): chr17-74301075-CG-C. GRCh37 (hg19) VCF-style: chr17-72297214-CG-C.
Other names: c.895del, p.Glu299fs (NM_001172810.3, NM_001353167.2); short protein forms E299fs.
Identifiers: ClinVar variation 1390669 (VCV001390669.6), dbSNP rs2144035068, ClinGen allele CA2573154808.

ClinVar aggregate classification (germline): Pathogenic (1 of 4 stars; one submission).

Conditions:
Primary ciliary dyskinesia. Also called: Ciliary dyskinesia. Identifiers: Orphanet 244, MedGen C0008780, MONDO:0016575, HP:0012265.

Submission:

Labcorp Genetics (formerly Invitae), Labcorp
Classification: Pathogenic for Primary ciliary dyskinesia. Last evaluated: 2022-07-19. Review status: criteria provided, single submitter. Criteria: Invitae Variant Classification Sherloc (09022015). Collection method: clinical testing. Allele origin: germline.
Comment: For these reasons, this variant has been classified as Pathogenic. ClinVar contains an entry for this variant (Variation ID: 1390669). This variant has not been reported in the literature in individuals affected with DNAI2-related conditions. This variant is not present in population databases (gnomAD no frequency). This sequence change creates a premature translational stop signal (p.Glu299Serfs*6) in the DNAI2 gene. It is expected to result in an absent or disrupted protein product. Loss-of-function variants in DNAI2 are known to be pathogenic (PMID: 18950741, 23891469).

Literature cited by the submitters: PubMed 18950741; PubMed 23891469.